The following is an entry in ClinVar:

NM_007294.4(BRCA1):c.5222T>A (p.Val1741Asp)

Gene: BRCA1 (BRCA1 DNA repair associated; minus strand). Cytogenetic location: 17q21.31.
Variant type: single nucleotide variant.
Coding change: c.5222T>A on transcript NM_007294.4 (MANE Select); coding-DNA position 5222, T replaced by A.
Protein change: p.Val1741Asp; replaces valine 1741 with aspartic acid.
Molecular consequence: missense variant. On other transcripts: non-coding transcript variant (1).
Genome position (GRCh38, 1-based): chr17:43,057,107, A>T on the plus strand (T>A on the coding strand, the complement: BRCA1 is on the minus strand). VCF-style: chr17-43057107-A-T. GRCh37 (hg19) VCF-style: chr17-41209124-A-T.
Other names: c.5009T>A, p.Val1670Asp (NM_001407571.1, NM_001407900.1, NM_001407902.1 and 12 more transcripts); c.5288T>A, p.Val1763Asp (NM_001407581.1, NM_001407582.1); c.5285T>A, p.Val1762Asp (NM_001407583.1, NM_001407585.1, NM_001407587.1 and 1 more transcripts); c.5219T>A, p.Val1740Asp (NM_001407610.1, NM_001407611.1, NM_001407612.1 and 17 more transcripts); c.5216T>A, p.Val1739Asp (NM_001407629.1, NM_001407630.1, NM_001407631.1 and 14 more transcripts); c.5162T>A, p.Val1721Asp (NM_001407649.1); c.5144T>A, p.Val1715Asp (NM_001407652.1, NM_001407653.1, NM_001407654.1 and 1 more transcripts); c.5141T>A, p.Val1714Asp (NM_001407656.1, NM_001407657.1, NM_001407658.1); and 72 more; short protein forms V1762D, V1694D, V1741D, V637D, V1613D, V1693D, V1699D, V1721D.
Identifiers: ClinVar variation 868194 (VCV000868194.3), dbSNP rs80357023, ClinGen allele CA10591099.

Conditions:
Breast-ovarian cancer, familial, susceptibility to, 1 (BROVCA1). Also called: BRCA1 Hereditary Breast and Ovarian Cancer; OVARIAN CANCER, SUSCEPTIBILITY TO. Identifiers: Orphanet 145, MedGen C2676676, MONDO:0011450, OMIM 604370. Disease mechanism: loss of function.

Submission:

Brotman Baty Institute, University of Washington
No classification provided (evidence only). Condition: Breast-ovarian cancer, familial 1. Review status: no classification provided. Collection method: in vitro. Allele origin: not applicable. Functional consequence: functionally_abnormal.
ClinVar note: "not provided" was previously submitted as the classification for the variant. However, the classification appeared to be based only on an observation of functional data so it was converted to no classification on 2025-07-30.